The following is an entry in ClinVar:

ClinVar aggregate classification (germline): Uncertain significance. Review status: criteria provided, multiple submitters, no conflicts (2 of 4 stars). 2 submissions from 2 submitters: Uncertain significance (2). Last evaluated 2026-07-06.

Conditions:
Hereditary cancer-predisposing syndrome. Also called: Hereditary Cancer Syndrome; Tumor predisposition; Neoplastic Syndromes, Hereditary; Hereditary neoplastic syndrome. Identifiers: Orphanet 140162, MedGen C0027672, MeSH D009386, MONDO:0015356.
Gorlin syndrome. Also called: Nevoid Basal Cell Carcinoma Syndrome; Basal cell nevus syndrome. Identifiers: Orphanet 377, MedGen C0004779, MONDO:0007187.
Medulloblastoma (MDB). Also called: Medulloblastoma, somatic; MEDULLOBLASTOMA PREDISPOSITION SYNDROME. Identifiers: Orphanet 616, MedGen C0025149, MeSH D008527, MONDO:0007959, OMIM 155255, HP:0002885.

Allele frequency attached by ClinVar (database versions not stated): gnomAD exomes below 0.00001.
gnomAD v4.1: 1 of 1,614,172 alleles (0.000062%); highest among the groups gnomAD compares: Non-Finnish European, 0.000085%; no homozygotes.

Submissions (2):

Ambry Genetics
Classification: Uncertain significance for Hereditary cancer-predisposing syndrome. Last evaluated: 2026-07-06. Review status: criteria provided, single submitter. Criteria: Ambry Variant Classification Scheme 2023. Collection method: clinical testing. Allele origin: germline.
Comment: The p.P133S variant (also known as c.397C>T), located in coding exon 3 of the SUFU gene, results from a C to T substitution at nucleotide position 397. The proline at codon 133 is replaced by serine, an amino acid with similar properties. This amino acid position is conserved. In addition, the in silico prediction for this alteration is inconclusive. Based on the available evidence, the clinical significance of this variant remains unclear.

Labcorp Genetics (formerly Invitae), Labcorp
Classification: Uncertain significance for Gorlin syndrome; Medulloblastoma. Last evaluated: 2021-07-17. Review status: criteria provided, single submitter. Criteria: Invitae Variant Classification Sherloc (09022015). Collection method: clinical testing. Allele origin: germline.
Comment: In summary, the available evidence is currently insufficient to determine the role of this variant in disease. Therefore, it has been classified as a Variant of Uncertain Significance. Algorithms developed to predict the effect of missense changes on protein structure and function (SIFT, PolyPhen-2, Align-GVGD) all suggest that this variant is likely to be disruptive. This variant has not been reported in the literature in individuals affected with SUFU-related conditions. This variant is not present in population databases (ExAC no frequency). This sequence change replaces proline with serine at codon 133 of the SUFU protein (p.Pro133Ser). The proline residue is highly conserved and there is a moderate physicochemical difference between proline and serine.

NM_016169.4(SUFU):c.397C>T (p.Pro133Ser)

Gene: SUFU (SUFU negative regulator of hedgehog signaling; plus strand). Cytogenetic location: 10q24.32.
Variant type: single nucleotide variant.
Coding change: c.397C>T on transcript NM_016169.4 (MANE Select); coding-DNA position 397, C replaced by T.
Protein change: p.Pro133Ser; replaces proline 133 with serine.
Molecular consequence: missense variant.
Genome position (GRCh38, 1-based): chr10:102,550,049, C>T. VCF-style: chr10-102550049-C-T. GRCh37 (hg19) VCF-style: chr10-104309806-C-T.
Other names: c.397C>T, p.Pro133Ser (NM_001178133.2); c.397C>T (NM_016169.3); short protein forms P133S.
Identifiers: ClinVar variation 1475783 (VCV001475783.9), dbSNP rs2135743325, ClinGen allele CA377903433.